The following is an entry in ClinVar:

NM_001377304.1(GFI1B):c.981C>G (p.His327Gln)

Gene: GFI1B (growth factor independent 1B transcriptional repressor; plus strand). Cytogenetic location: 9q34.13.
Variant type: single nucleotide variant.
Coding change: c.981C>G on transcript NM_001377304.1 (MANE Select); coding-DNA position 981, C replaced by G.
Protein change: p.His327Gln; replaces histidine 327 with glutamine.
Molecular consequence: missense variant.
Genome position (GRCh38, 1-based): chr9:132,991,038, C>G. VCF-style: chr9-132991038-C-G. GRCh37 (hg19) VCF-style: chr9-135866425-C-G.
Other names: c.843C>G, p.His281Gln (NM_001135031.2, NM_001377305.1); c.1047C>G, p.His349Gln (NM_001371908.1); c.981C>G, p.His327Gln (NM_004188.8); short protein forms H281Q, H327Q, H349Q.
Identifiers: ClinVar variation 1677259 (VCV001677259.2), dbSNP rs147973999, ClinGen allele CA375381907.
Genomic context (GRCh38, chr9:132,991,038, plus strand): 5'-GCTGTGCACCAAAGGCTTCCAGCGCAAGGTGGACCTGCGGCGGCACCGCGAGAGCCAGCA[C>G]AATCTCAAGTGAGGCTGCGCCGGCTCCCAGCTCCTGGCCAGCCTGCCCTGCGGTCCTGTC-3'
Protein context (NP_001364233.1, residues 317-330): VDLRRHRESQ[His327Gln]NLK

ClinVar aggregate classification (germline): Uncertain significance. Review status: criteria provided, multiple submitters, no conflicts (2 of 4 stars). 2 submissions from 2 submitters: Uncertain significance (2). Last evaluated 2025-09-26.

Conditions:
Inborn genetic diseases. Identifiers: MedGen C0950123, MeSH D030342.
Platelet-type bleeding disorder 17 (BDPLT17). Also called: Thrombasthenia-thrombocytopenia, hereditary. Identifiers: Orphanet 721, MedGen C1861194, MONDO:0008553, OMIM 187900.

Submissions (2):

Ambry Genetics
Classification: Uncertain significance for Inborn genetic diseases. Last evaluated: 2025-09-26. Review status: criteria provided, single submitter. Criteria: Ambry Variant Classification Scheme 2023. Collection method: clinical testing. Allele origin: germline.

ISTH-SSC Genomics in Thrombosis and Hemostasis, KU Leuven, Center for Molecular and Vascular Biology
Classification: Uncertain significance for Platelet-type bleeding disorder 17. Review status: criteria provided, single submitter. Criteria: ACMG Guidelines, 2015. Collection method: clinical testing. Allele origin: germline. Affected: yes. Observed: 2 heterozygotes. Clinical features observed: Mild macrothrombocytopenia, recurrent epistaxis, Platelet count of 150.
Comment: GoldVariant submitters: Juliana Perez Botero, Versiti Diagnostic Laboratories, USA and Dr Marie-Christine Morel-Kopp, Northern Blood Research Centre, Sydney, Australia

Literature cited by the submitters: PubMed 34355501 (cited by ISTH-SSC Genomics in Thrombosis and Hemostasis, KU Leuven, Center for Molecular and Vascular Biology).